The following is an entry in ClinVar:

NM_017841.4(SDHAF2):c.215A>T (p.Tyr72Phe)

Gene: SDHAF2 (succinate dehydrogenase complex assembly factor 2; plus strand). Cytogenetic location: 11q12.2.
Variant type: single nucleotide variant.
Coding change: c.215A>T on transcript NM_017841.4 (MANE Select); coding-DNA position 215, A replaced by T.
Protein change: p.Tyr72Phe; replaces tyrosine 72 with phenylalanine.
Molecular consequence: missense variant.
Genome position (GRCh38, 1-based): chr11:61,437,803, A>T. VCF-style: chr11-61437803-A-T. GRCh37 (hg19) VCF-style: chr11-61205275-A-T.
Other names: short protein forms Y72F.
Identifiers: ClinVar variation 2987205 (VCV002987205.4), dbSNP rs1440188833, ClinGen allele CA380683679.

ClinVar aggregate classification (germline): Uncertain significance. Review status: criteria provided, multiple submitters, no conflicts (2 of 4 stars). 2 submissions from 2 submitters: Uncertain significance (2). Last evaluated 2024-12-12.

Conditions:
Hereditary cancer-predisposing syndrome. Also called: Neoplastic Syndromes, Hereditary; Tumor predisposition; Hereditary Cancer Syndrome; Hereditary neoplastic syndrome. Identifiers: Orphanet 140162, MedGen C0027672, MeSH D009386, MONDO:0015356.
Hereditary pheochromocytoma and paraganglioma. Also called: Hereditary paragangliomas and pheochromocytomas; Hereditary Paraganglioma-Pheochromocytoma Syndromes; Hereditary pheochromocytoma-paraganglioma. Identifiers: Orphanet 29072, MedGen C4274332, MONDO:0017366.

gnomAD v4.1: 2 of 1,614,078 alleles (0.00012%); highest among the groups gnomAD compares: Non-Finnish European, 0.00017%; no homozygotes.

Submissions (2):

Ambry Genetics
Classification: Uncertain significance for Hereditary cancer-predisposing syndrome. Last evaluated: 2024-12-12. Review status: criteria provided, single submitter. Criteria: Ambry Variant Classification Scheme 2023. Collection method: clinical testing. Allele origin: germline.
Comment: The p.Y72F variant (also known as c.215A>T), located in coding exon 2 of the SDHAF2 gene, results from an A to T substitution at nucleotide position 215. The tyrosine at codon 72 is replaced by phenylalanine, an amino acid with highly similar properties. This amino acid position is conserved. In addition, the in silico prediction for this alteration is inconclusive. Based on the available evidence, the clinical significance of this variant remains unclear.

Labcorp Genetics (formerly Invitae), Labcorp
Classification: Uncertain significance for Hereditary pheochromocytoma and paraganglioma. Last evaluated: 2024-09-02. Review status: criteria provided, single submitter. Criteria: Invitae Variant Classification Sherloc (09022015). Collection method: clinical testing. Allele origin: germline.
Comment: This sequence change replaces tyrosine, which is neutral and polar, with phenylalanine, which is neutral and non-polar, at codon 72 of the SDHAF2 protein (p.Tyr72Phe). This variant is not present in population databases (gnomAD no frequency). This variant has not been reported in the literature in individuals affected with SDHAF2-related conditions. An algorithm developed to predict the effect of missense changes on protein structure and function (PolyPhen-2) suggests that this variant is likely to be disruptive. In summary, the available evidence is currently insufficient to determine the role of this variant in disease. Therefore, it has been classified as a Variant of Uncertain Significance.